The following is an entry in ClinVar:

NM_001029883.3(PCARE):c.*1912T>A

Gene: PCARE (photoreceptor cilium actin regulator; minus strand). Cytogenetic location: 2p23.2.
Variant type: single nucleotide variant.
Coding change: c.*1912T>A on transcript NM_001029883.3 (MANE Select); 1912 bases downstream of the stop codon, T replaced by A.
Molecular consequence: 3 prime UTR variant.
Genome position (GRCh38, 1-based): chr2:29,062,957, A>T on the plus strand (T>A on the coding strand, the complement: PCARE is on the minus strand). VCF-style: chr2-29062957-A-T. GRCh37 (hg19) VCF-style: chr2-29285823-A-T.
Identifiers: ClinVar variation 335593 (VCV000335593.5), dbSNP rs72861027, ClinGen allele CA10613089.
Genomic context (GRCh38, chr2:29,062,957, plus strand): 5'-TTCCTCGGACCTCCAGGAATCCTGCCCCTAAATCTGAGCCCAGGCAGGGCCCACTTTCTG[A>T]GCAGTCCCACCTGAAGCCACTTACTTGTGAGCTAGACCTCAAAGGCCGCTCACACTGTGT-3'

ClinVar aggregate classification (germline): Benign (1 of 4 stars; one submission).

Conditions:
Retinitis pigmentosa (RP). Identifiers: Orphanet 791, MedGen C0035334, MeSH D012174, MONDO:0019200, OMIM 268000. Inheritance: Autosomal dominant, autosomal recessive and X linked inheritance.

Allele frequency attached by ClinVar (database versions not stated): gnomAD 0.03129 and 0.03304; 1000 Genomes Project 0.03335; TOPMed 0.03625; 1000 Genomes Project 30x 0.03670.

Submission:

Illumina Laboratory Services, Illumina
Classification: Benign for Retinitis pigmentosa. Last evaluated: 2018-01-13. Review status: criteria provided, single submitter. Criteria: ICSL Variant Classification Criteria 13 December 2019. Collection method: clinical testing. Allele origin: germline.
Comment: This variant was observed in the ICSL laboratory as part of a predisposition screen in an ostensibly healthy population. It had not been previously curated by ICSL or reported in the Human Gene Mutation Database (HGMD: prior to June 1st, 2018), and was therefore a candidate for classification through an automated scoring system. Utilizing variant allele frequency, disease prevalence and penetrance estimates, and inheritance mode, an automated score was calculated to assess if this variant is too frequent to cause the disease. Based on the score and internal cut-off values, a variant classified as benign is not then subjected to further curation. The score for this variant resulted in a classification of benign for this disease.